The following is an entry in ClinVar:

ClinVar aggregate classification (germline): Uncertain significance (1 of 4 stars; one submission).

gnomAD v4.1: 1 of 1,613,926 alleles (0.000062%); highest among the groups gnomAD compares: African/African-American, 0.0013%; no homozygotes.

Submission:

Labcorp Genetics (formerly Invitae), Labcorp
Classification: Uncertain significance. Last evaluated: 2025-12-22. Review status: criteria provided, single submitter. Criteria: Invitae Variant Classification Sherloc (09022015). Collection method: clinical testing. Allele origin: germline.
Comment: This sequence change replaces valine, which is neutral and non-polar, with leucine, which is neutral and non-polar, at codon 604 of the ANK3 protein (p.Val604Leu). This variant is present in population databases (no rsID available, gnomAD 0.01%). This variant has not been reported in the literature in individuals affected with ANK3-related conditions. Invitae Evidence Modeling of protein sequence and biophysical properties (such as structural, functional, and spatial information, amino acid conservation, physicochemical variation, residue mobility, and thermodynamic stability) indicates that this missense variant is not expected to disrupt ANK3 protein function with a negative predictive value of 80%. In summary, the available evidence is currently insufficient to determine the role of this variant in disease. Therefore, it has been classified as a Variant of Uncertain Significance.

NM_020987.5(ANK3):c.1810G>T (p.Val604Leu)

Gene: ANK3 (ankyrin 3; minus strand). Cytogenetic location: 10q21.2.
Variant type: single nucleotide variant.
Coding change: c.1810G>T on transcript NM_020987.5 (MANE Select); coding-DNA position 1810, G replaced by T.
Protein change: p.Val604Leu; replaces valine 604 with leucine.
Molecular consequence: missense variant.
Genome position (GRCh38, 1-based): chr10:60,196,222, C>A on the plus strand (G>T on the coding strand, the complement: ANK3 is on the minus strand). VCF-style: chr10-60196222-C-A. GRCh37 (hg19) VCF-style: chr10-61955980-C-A.
Other names: c.1792G>T, p.Val598Leu (NM_001204403.2); c.1759G>T, p.Val587Leu (NM_001204404.2); c.1810G>T, p.Val604Leu (NM_001320874.2); short protein forms V598L, V604L, V587L.
Identifiers: ClinVar variation 4703444 (VCV004703444.1).